The following is an entry in ClinVar:

ClinVar aggregate classification (germline): Uncertain significance (1 of 4 stars; one submission).

Allele frequency attached by ClinVar (database versions not stated): gnomAD 0.00002; TOPMed 0.00002.
gnomAD v4.1: 14 of 1,612,246 alleles (0.00087%); highest among the groups gnomAD compares: South Asian, 0.0011%; no homozygotes.

Submission:

Ambry Genetics
Classification: Uncertain significance. Last evaluated: 2021-11-30. Review status: criteria provided, single submitter. Criteria: Ambry Variant Classification Scheme 2023. Collection method: clinical testing. Allele origin: germline.
Comment: The p.N289S variant (also known as c.866A>G), located in coding exon 10 of the PRKDC gene, results from an A to G substitution at nucleotide position 866. The asparagine at codon 289 is replaced by serine, an amino acid with highly similar properties. This amino acid position is conserved. In addition, this alteration is predicted to be tolerated by in silico analysis. Since supporting evidence is limited at this time, the clinical significance of this alteration remains unclear.

NM_006904.7(PRKDC):c.866A>G (p.Asn289Ser)

Gene: PRKDC (protein kinase, DNA-activated, catalytic subunit; minus strand). Cytogenetic location: 8q11.21.
Variant type: single nucleotide variant.
Coding change: c.866A>G on transcript NM_006904.7 (MANE Select); coding-DNA position 866, A replaced by G.
Protein change: p.Asn289Ser; replaces asparagine 289 with serine.
Molecular consequence: missense variant.
Genome position (GRCh38, 1-based): chr8:47,943,309, T>C on the plus strand (A>G on the coding strand, the complement: PRKDC is on the minus strand). VCF-style: chr8-47943309-T-C. GRCh37 (hg19) VCF-style: chr8-48855869-T-C.
Other names: c.866A>G, p.Asn289Ser (NM_001081640.2); short protein forms N289S.
Identifiers: ClinVar variation 1764234 (VCV001764234.2), dbSNP rs1166280803, ClinGen allele CA371136202.